The following is an entry in ClinVar:

NM_014915.3(ANKRD26):c.2578G>C (p.Asp860His)

Gene: ANKRD26 (ankyrin repeat domain 26; minus strand). Cytogenetic location: 10p12.1.
Variant type: single nucleotide variant.
Coding change: c.2578G>C on transcript NM_014915.3 (MANE Select); coding-DNA position 2578, G replaced by C.
Protein change: p.Asp860His; replaces aspartic acid 860 with histidine.
Molecular consequence: missense variant.
Genome position (GRCh38, 1-based): chr10:27,037,305, C>G on the plus strand (G>C on the coding strand, the complement: ANKRD26 is on the minus strand). VCF-style: chr10-27037305-C-G. GRCh37 (hg19) VCF-style: chr10-27326234-C-G.
Other names: c.2575G>C, p.Asp859His (NM_001256053.2); short protein forms D860H, D859H.
Identifiers: ClinVar variation 4579917 (VCV004579917.1).
Genomic context (GRCh38, chr10:27,037,305, plus strand): 5'-TCAGAATTCCATCTTGTAACATTCTGGCATTCTGTTCTCGAGAAAGTTGCCTCTGAGCGT[C>G]ATTTCGCTCTTGAACGACCTAGAGATACATTAAGTTTTAGGTCTATTAGCATTTTGTAAA-3'
Protein context (NP_055730.2, residues 850-870): NLNQVVQERN[Asp860His]AQRQLSREQN

ClinVar aggregate classification (germline): Uncertain significance (1 of 4 stars; one submission).

Conditions:
Inborn genetic diseases. Identifiers: MedGen C0950123, MeSH D030342.

Submission:

Ambry Genetics
Classification: Uncertain significance for Inborn genetic diseases. Last evaluated: 2025-11-09. Review status: criteria provided, single submitter. Criteria: Ambry Variant Classification Scheme 2023. Collection method: clinical testing. Allele origin: germline.
Comment: The p.D860H variant (also known as c.2578G>C), located in coding exon 23 of the ANKRD26 gene, results from a G to C substitution at nucleotide position 2578. The aspartic acid at codon 860 is replaced by histidine, an amino acid with similar properties. This amino acid position is conserved. In addition, this alteration is predicted to be tolerated by in silico analysis. Based on the available evidence, the clinical significance of this variant remains unclear.